The following is an entry in ClinVar:

NM_181882.3(PRX):c.1483_1560del (p.469ELPKVSEMKLPKVPEMAVPEVRLPEV[1])

Gene: PRX (periaxin; minus strand). Cytogenetic location: 19q13.2.
Variant type: Deletion.
Coding change: c.1483_1560del on transcript NM_181882.3 (MANE Select); coding-DNA positions 1483 to 1560, 78 bases deleted.
Protein change: p.469ELPKVSEMKLPKVPEMAVPEVRLPEV[1].
Molecular consequence: inframe deletion. On other transcripts: 3 prime UTR variant (1).
Genome position (GRCh38, 1-based): chr19:40,396,792-40,396,869, 78 bases deleted. GRCh37 (hg19): chr19:40,902,765-40,902,842.
Other names: c.1483_1560delGAGCTGCCCAAAGTGTCAGAGATGAAACTCCCAAAGGTGCCAGAGATGGCTGTGCCGGAGGTGCGGCTTCCAGAGGTA (NM_181882.2); c.*1688_*1765del (NM_020956.2); c.1483_1560del78 (NM_181882.2).
Identifiers: ClinVar variation 410606 (VCV000410606.10), dbSNP rs1555801137, ClinGen allele CA16616049.

ClinVar aggregate classification (germline): Uncertain significance. Review status: criteria provided, multiple submitters, no conflicts (2 of 4 stars). 4 submissions from 4 submitters: Uncertain significance (4). Last evaluated 2025-06-13.

Conditions:
Charcot-Marie-Tooth disease type 4F. Also called: Charcot-Marie-Tooth disease, demyelinating, type 4F. Identifiers: Orphanet 99952, MedGen C3540453, MONDO:0013959, OMIM 614895.
Inborn genetic diseases. Identifiers: MedGen C0950123, MeSH D030342.
Charcot-Marie-Tooth disease type 4. Also called: Charcot-Marie-Tooth disease, type IV; Charcot-Marie-Tooth, Type 4. Identifiers: Orphanet 64749, MedGen C4082197, MONDO:0018995.

Submissions (4):

GeneDx
Classification: Uncertain significance. Last evaluated: 2025-06-13. Review status: criteria provided, single submitter. Criteria: GeneDx Variant Classification Process June 2021. Collection method: clinical testing. Allele origin: germline. Affected: yes.
Comment: Reported previously as a variant of uncertain significance in a cohort of patients with suspected Charcot-Marie-Tooth disease; however, no further clinical information was provided (PMID: 32376792); Not observed at significant frequency in large population cohorts (gnomAD); In-frame deletion of 26 amino acid(s) in a non-repeat region; In silico analysis supports a deleterious effect on protein structure/function; This variant is associated with the following publications: (PMID: 32376792)

Labcorp Genetics (formerly Invitae), Labcorp
Classification: Uncertain significance for Charcot-Marie-Tooth disease type 4. Last evaluated: 2023-08-17. Review status: criteria provided, single submitter. Criteria: Invitae Variant Classification Sherloc (09022015). Collection method: clinical testing. Allele origin: germline.
Comment: In summary, the available evidence is currently insufficient to determine the role of this variant in disease. Therefore, it has been classified as a Variant of Uncertain Significance. Experimental studies and prediction algorithms are not available or were not evaluated, and the functional significance of this variant is currently unknown. ClinVar contains an entry for this variant (Variation ID: 410606). This variant has been observed in individual(s) with Charcot-Marie-Tooth disease (PMID: 32376792). The frequency data for this variant in the population databases is considered unreliable, as metrics indicate poor data quality at this position in the gnomAD database. This variant, c.1483_1560del, results in the deletion of 26 amino acid(s) of the PRX protein (p.Glu495_Val520del), but otherwise preserves the integrity of the reading frame.

Ambry Genetics
Classification: Uncertain significance for Inborn genetic diseases. Last evaluated: 2021-11-25. Review status: criteria provided, single submitter. Criteria: Ambry Variant Classification Scheme 2023. Collection method: clinical testing. Allele origin: germline.
Comment: The c.1483_1560del78 variant (also known as p.E495_V520del) is located in coding exon 4 of the PRX gene. This variant results from an in-frame deletion of 78 nucleotides at nucleotide positions 1483 to 1560. This results in the deletion of 26 amino acids between codons 495 and 520. This amino acid region is not well conserved in available vertebrate species. Since supporting evidence is limited at this time, the clinical significance of this alteration remains unclear.

Genomic Research Center, Shahid Beheshti University of Medical Sciences
Classification: Uncertain significance for Charcot-Marie-Tooth disease, demyelinating, type 4F. Last evaluated: 2019-04-27. Review status: criteria provided, single submitter. Criteria: ACMG Guidelines, 2015. Collection method: clinical testing. Allele origin: unknown. Affected: yes.

Literature cited by the submitters: PubMed 32376792 (cited by Labcorp Genetics (formerly Invitae), Labcorp).